The following is an entry in ClinVar:

NM_001040630.2(NCALD):c.-123+64A>T

Gene: NCALD (neurocalcin delta; minus strand). Cytogenetic location: 8q22.3.
Variant type: single nucleotide variant.
Coding change: c.-123+64A>T on transcript NM_001040630.2; 64 bases into the intron after 123 bases upstream of the start codon, A replaced by T.
Molecular consequence: intron variant.
Genome position (GRCh38, 1-based): chr8:102,124,506, T>A on the plus strand (A>T on the coding strand, the complement: NCALD is on the minus strand). VCF-style: chr8-102124506-T-A. GRCh37 (hg19) VCF-style: chr8-103136734-T-A.
Other names: NC_000008.10:g.103136734T>A.
Identifiers: ClinVar variation 2658716 (VCV002658716.23), dbSNP rs13253373, ClinGen allele CA584036629.

ClinVar aggregate classification (germline): Likely benign (1 of 4 stars; one submission).

Submissions (2):

CeGaT Center for Human Genetics Tuebingen
Classification: Likely benign. Last evaluated: 2022-11-01. Review status: criteria provided, single submitter. Criteria: CeGaT Center For Human Genetics Tuebingen Variant Classification Criteria Version 2. Collection method: clinical testing. Allele origin: germline. Affected: yes. Observed: 1 variant allele.
Comment: NCALD: BS2

Dr. Peter K. Rogan Lab, Western University
No classification provided (evidence only). Condition: Ovarian serous cystadenocarcinoma. Review status: no classification provided. Collection method: in vitro. Allele origin: not applicable. Functional consequence: retained intron. Not counted in ClinVar's aggregate classification.